The following is an entry in ClinVar:

NM_000492.4(CFTR):c.4200_4201del (p.Cys1400_Glu1401delinsTer)

Gene: CFTR (CF transmembrane conductance regulator; plus strand). Cytogenetic location: 7q31.2.
Variant type: Microsatellite.
Coding change: c.4200_4201del on transcript NM_000492.4 (MANE Select); coding-DNA positions 4200 to 4201, 2 bases deleted (TG; older notation c.4200_4201delTG).
Protein change: p.Cys1400_Glu1401delinsTer.
Molecular consequence: nonsense.
Genome position (GRCh38, 1-based): chr7:117,665,522-117,665,523, TG deleted; deleting any 2 consecutive bases within chr7:117,665,520-117,665,523 gives the same sequence; the c. name uses the placement nearest the transcript's 3' end. VCF-style (leftmost placement, unchanged base first): chr7-117665519-CTG-C. GRCh37 (hg19) VCF-style: chr7-117305573-CTG-C.
Other names: c.4200_4201delTG (NM_000492.3).
Identifiers: ClinVar variation 53917 (VCV000053917.9), dbSNP rs397508695, ClinGen allele CA327446.
Genomic context (GRCh38, chr7:117,665,519, plus strand): 5'-AACATACCAAATAATTAGAAGAACTCTAAAACAAGCATTTGCTGATTGCACAGTAATTCT[CTG>C]TGAACACAGGATAGAAGCAATGCTGGAATGCCAACAATTTTTGGTGAGTCTTTATAACTT-3'

ClinVar aggregate classification (germline): Pathogenic/Likely pathogenic. Review status: criteria provided, multiple submitters, no conflicts (2 of 4 stars). 5 submissions from 5 submitters: Pathogenic (4); Likely pathogenic (1). Last evaluated 2025-12-23.

Conditions:
CFTR-related disorder (CFTR-RD). Also called: CFTR-related condition; CFTR-related disorders. Identifiers: MedGen C5924204, MONDO:7770004.
Bronchiectasis with or without elevated sweat chloride 1 (BESC1). Also called: Cystic Fibrosis-Like Syndrome. Identifiers: Orphanet 60033, MedGen C2749757, MONDO:0008887, OMIM 211400.
Congenital bilateral aplasia of vas deferens from CFTR mutation (CBAVD). Identifiers: Orphanet 48, MedGen C0403814, MONDO:0010178, OMIM 277180. Disease mechanism: loss of function.
Cystic fibrosis (CF). Also called: MUCOVISCIDOSIS. Identifiers: Orphanet 586, MedGen C0010674, MONDO:0009061, OMIM 219700. Disease mechanism: loss of function.
Hereditary pancreatitis (PCTT). Also called: PRSS1-Related Hereditary Pancreatitis; Hereditary chronic pancreatitis. Identifiers: Orphanet 676, MedGen C0238339, MONDO:0008185, OMIM 167800.

Submissions (5):

Natera, Inc.
Classification: Likely pathogenic for CFTR-related disorders. Last evaluated: 2025-12-23. Review status: criteria provided, single submitter. Criteria: Natera Variant Classification Schema (03/2026). Collection method: clinical testing. Allele origin: germline.
Comment: The c.4200_4201delTG variant in CFTR is a frameshift variant predicted to shift the reading frame and introduce a stop codon. This variant is expected to result in nonsense mediated decay, truncation, or a dysfunctional protein product. This variant is rare in the general population with a frequency below the threshold expected for the associated phenotype(s). This variant has been observed in one or more individuals affected with the associated recessive disease, as either homozygous or compound heterozygous with a second variant (PMID: 21520337). Given the available evidence, this variant is classified as Likely Pathogenic.

Fulgent Genetics
Classification: Pathogenic for Hereditary pancreatitis; Bronchiectasis with or without elevated sweat chloride 1; Cystic fibrosis; Congenital bilateral aplasia of vas deferens from CFTR mutation. Last evaluated: 2024-03-11. Review status: criteria provided, single submitter. Criteria: ACMG Guidelines, 2015. Collection method: clinical testing. Allele origin: germline.

Labcorp Genetics (formerly Invitae), Labcorp
Classification: Pathogenic for Cystic fibrosis. Last evaluated: 2022-04-28. Review status: criteria provided, single submitter. Criteria: Invitae Variant Classification Sherloc (09022015). Collection method: clinical testing. Allele origin: germline.
Comment: For these reasons, this variant has been classified as Pathogenic. This variant disrupts a region of the CFTR protein in which other variant(s) (p.Gln1476*) have been determined to be pathogenic (PMID: 11938439, 22020151, 25910067, 28544683). This suggests that this is a clinically significant region of the protein, and that variants that disrupt it are likely to be disease-causing. ClinVar contains an entry for this variant (Variation ID: 53917). This premature translational stop signal has been observed in individual(s) with clinical features of CFTR-associated conditions (PMID: 2152033, 21520337, 28603918). This variant is not present in population databases (gnomAD no frequency). This sequence change creates a premature translational stop signal (p.Cys1400*) in the CFTR gene. While this is not anticipated to result in nonsense mediated decay, it is expected to disrupt the last 81 amino acid(s) of the CFTR protein.

Ambry Genetics
Classification: Pathogenic for Cystic fibrosis. Last evaluated: 2018-09-25. Review status: criteria provided, single submitter. Criteria: Ambry Variant Classification Scheme 2023. Collection method: clinical testing. Allele origin: germline.
Comment: The c.4200_4201delTG pathogenic mutation, located in coding exon 26 of the CFTR gene, results from a deletion of two nucleotides at nucleotide positions 4200 to 4201. This changes the amino acid from a cysteine to a stop codon within coding exon 26 (p.C1400*). This mutation was identified in two males with congenital absence of the vas deference (CBAVD) in conjunction with p.R117H (Steiner B et al. Hum. Mutat., 2011 Aug;32:912-20). BHK-21 cells expressing p.C1400* demonstrated reduced mature protein levels, with none at the cell surface, and reduced chloride channel activity compared to wild type (Gentzsch M et al. J. Biol. Chem., 2001 Jan;276:1291-8). In addition to the clinical data presented in the literature, this alteration is expected to result in loss of function by premature protein truncation or nonsense-mediated mRNA decay. As such, this alteration is interpreted as a disease-causing mutation.

CFTR-France
Classification: Pathogenic for cystic fibrosis. Last evaluated: 2018-01-29. Review status: criteria provided, single submitter. Criteria: Claustres M et al. (Hum Mutat 2017). Collection method: curation. Allele origin: germline. Affected: yes.

Literature cited by the submitters: PubMed 21520337 (cited by 3 submitters); PubMed 11938439 (cited by Labcorp Genetics (formerly Invitae), Labcorp); PubMed 22020151 (cited by Labcorp Genetics (formerly Invitae), Labcorp); PubMed 25910067 (cited by Labcorp Genetics (formerly Invitae), Labcorp); PubMed 28544683 (cited by Labcorp Genetics (formerly Invitae), Labcorp); PubMed 2152033 (cited by Labcorp Genetics (formerly Invitae), Labcorp); PubMed 28603918 (cited by Labcorp Genetics (formerly Invitae), Labcorp); PubMed 11022033 (cited by Ambry Genetics).